The following is an entry in ClinVar:

ClinVar aggregate classification (germline): Pathogenic/Likely pathogenic. Review status: criteria provided, multiple submitters, no conflicts (2 of 4 stars). 3 submissions from 3 submitters: Pathogenic (1); Likely pathogenic (1). 1 of the submissions does not count toward it. Last evaluated 2024-01-22.

Conditions:
Agenesis of the corpus callosum with peripheral neuropathy (ACCPN). Also called: Hereditary Motor and Sensory Neuropathy with Agenesis of the Corpus Callosum; CHARLEVOIX DISEASE; POLYNEUROPATHY, SENSORIMOTOR, WITH OR WITHOUT AGENESIS OF THE CORPUS CALLOSUM; HMSN/ACC. Identifiers: Orphanet 1496, MedGen C0795950, MONDO:0000902, OMIM 218000. Disease mechanism: loss of function.

Allele frequency attached by ClinVar (database versions not stated): gnomAD exomes below 0.00001; TOPMed below 0.00001; gnomAD 0.00001.
gnomAD v4.1: 2 of 1,556,084 alleles (0.00013%); highest among the groups gnomAD compares: Admixed American, 0.0033%; no homozygotes.

Submissions (3):

Labcorp Genetics (formerly Invitae), Labcorp
Classification: Likely pathogenic. Last evaluated: 2024-01-22. Review status: criteria provided, single submitter. Criteria: Invitae Variant Classification Sherloc (09022015). Collection method: clinical testing. Allele origin: germline.
Comment: This sequence change affects an acceptor splice site in intron 15 of the SLC12A6 gene. It is expected to disrupt RNA splicing. Variants that disrupt the donor or acceptor splice site typically lead to a loss of protein function (PMID: 16199547), and loss-of-function variants in SLC12A6 are known to be pathogenic (PMID: 12368912, 16606917). This variant is present in population databases (no rsID available, gnomAD 0.003%). This variant has not been reported in the literature in individuals affected with SLC12A6-related conditions. ClinVar contains an entry for this variant (Variation ID: 556551). Algorithms developed to predict the effect of sequence changes on RNA splicing suggest that this variant may disrupt the consensus splice site. In summary, the currently available evidence indicates that the variant is pathogenic, but additional data are needed to prove that conclusively. Therefore, this variant has been classified as Likely Pathogenic.

Baylor Genetics
Classification: Pathogenic for Agenesis of the corpus callosum with peripheral neuropathy. Last evaluated: 2023-08-29. Review status: criteria provided, single submitter. Criteria: ACMG Guidelines, 2015. Collection method: clinical testing. Allele origin: unknown.

Counsyl
Classification: Likely pathogenic for Agenesis of the corpus callosum with peripheral neuropathy. Last evaluated: 2018-02-06. Review status: no assertion criteria provided. Collection method: clinical testing. Allele origin: unknown. Not counted in ClinVar's aggregate classification.

Literature cited by the submitters: PubMed 16199547 (cited by Labcorp Genetics (formerly Invitae), Labcorp); PubMed 12368912 (cited by Labcorp Genetics (formerly Invitae), Labcorp); PubMed 16606917 (cited by Labcorp Genetics (formerly Invitae), Labcorp).

NM_001365088.1(SLC12A6):c.2043-2A>G

Gene: SLC12A6 (solute carrier family 12 member 6; minus strand). Cytogenetic location: 15q14.
Variant type: single nucleotide variant.
Coding change: c.2043-2A>G on transcript NM_001365088.1 (MANE Select); the canonical splice acceptor site of the intron before coding-DNA position 2043, A replaced by G.
Molecular consequence: splice acceptor variant.
Genome position (GRCh38, 1-based): chr15:34,242,223, T>C on the plus strand (A>G on the coding strand, the complement: SLC12A6 is on the minus strand). VCF-style: chr15-34242223-T-C. GRCh37 (hg19) VCF-style: chr15-34534424-T-C.
Other names: c.1866-2A>G (NM_001042495.2, NM_001042494.2); c.2016-2A>G (NM_001042496.2); c.1998-2A>G (NM_001042497.2); c.2043-2A>G (NM_133647.2); c.1890-2A>G (NM_005135.2).
Identifiers: ClinVar variation 556551 (VCV000556551.6), dbSNP rs1372841592, ClinGen allele CA391620453.